The following is an entry in ClinVar:

ClinVar aggregate classification (germline): Uncertain significance (1 of 4 stars; one submission).

Conditions:
Desbuquois dysplasia 1 (DBQD1). Also called: MICROMELIC DWARFISM WITH VERTEBRAL AND METAPHYSEAL ABNORMALITIES AND ADVANCED CARPOTARSAL OSSIFICATION; DESBUQUOIS DYSPLASIA 1, KIM VARIANT. Identifiers: Orphanet 1425, MedGen C4012146, MONDO:0009629, OMIM 251450.

Submission:

Labcorp Genetics (formerly Invitae), Labcorp
Classification: Uncertain significance for Desbuquois dysplasia 1. Last evaluated: 2020-12-02. Review status: criteria provided, single submitter. Criteria: Invitae Variant Classification Sherloc (09022015). Collection method: clinical testing. Allele origin: germline.
Comment: This variant results in a copy number gain of the genomic region encompassing exon(s) 2-12 of the XYLT1 gene. The 5' boundary is likely confined to intron 1. The 3' end of this event is unknown as it extends beyond the assayed region for this gene and therefore may encompass additional genes. As the precise location of this event is unknown, it may be in tandem or it may be located elsewhere in the genome. In summary, the available evidence is currently insufficient to determine the role of this variant in disease. Therefore, it has been classified as a Variant of Uncertain Significance. Experimental studies and prediction algorithms are not available or were not evaluated, and the functional significance of this variant is currently unknown. This variant has not been reported in the literature in individuals with XYLT1-related conditions.

NC_000016.9:g.(?_17202552)_(17451927_?)dup

Gene: XYLT1 (xylosyltransferase 1; minus strand). Cytogenetic location: 16p12.3.
Variant type: Duplication.
Identifiers: ClinVar variation 1448533 (VCV001448533.4).